The following is an entry in ClinVar:

NM_013450.4(BAZ2B):c.5926C>T (p.Pro1976Ser)

Gene: BAZ2B (bromodomain adjacent to zinc finger domain 2B; minus strand). Cytogenetic location: 2q24.2.
Variant type: single nucleotide variant.
Coding change: c.5926C>T on transcript NM_013450.4 (MANE Select); coding-DNA position 5926, C replaced by T.
Protein change: p.Pro1976Ser; replaces proline 1976 with serine.
Molecular consequence: missense variant.
Genome position (GRCh38, 1-based): chr2:159,332,557, G>A on the plus strand (C>T on the coding strand, the complement: BAZ2B is on the minus strand). VCF-style: chr2-159332557-G-A. GRCh37 (hg19) VCF-style: chr2-160189068-G-A.
Other names: c.5818C>T, p.Pro1940Ser (NM_001289975.1); c.5869C>T, p.Pro1957Ser (NM_001329857.2); c.5851C>T, p.Pro1951Ser (NM_001329858.2); short protein forms P1940S, P1951S, P1957S, P1976S.
Identifiers: ClinVar variation 5037144 (VCV005037144.1).

ClinVar aggregate classification (germline): Uncertain significance (1 of 4 stars; one submission).

gnomAD v4.1: 1 of 1,613,870 alleles (0.000062%); highest among the groups gnomAD compares: Non-Finnish European, 0.000085%; no homozygotes.

Submission:

GeneDx
Classification: Uncertain significance. Last evaluated: 2026-04-13. Review status: criteria provided, single submitter. Criteria: GeneDx Variant Classification Process June 2021. Collection method: clinical testing. Allele origin: germline.
Comment: Not observed at significant frequency in large population cohorts (gnomAD); In silico analysis supports that this missense variant has a deleterious effect on protein structure/function; Has not been previously published as pathogenic or benign to our knowledge